The following is an entry in ClinVar:

NM_012213.3(MLYCD):c.8G>T (p.Gly3Val)

Genes: MLYCD (malonyl-CoA decarboxylase; plus strand), LOC130059554 (ATAC-STARR-seq lymphoblastoid silent region 7769; plus strand). Cytogenetic location: 16q23.3.
Variant type: single nucleotide variant.
Coding change: c.8G>T on transcript NM_012213.3 (MANE Select); coding-DNA position 8, G replaced by T.
Protein change: p.Gly3Val; replaces glycine 3 with valine.
Molecular consequence: missense variant.
Genome position (GRCh38, 1-based): chr16:83,899,152, G>T. VCF-style: chr16-83899152-G-T. GRCh37 (hg19) VCF-style: chr16-83932757-G-T.
Other names: short protein forms G3V.
Identifiers: ClinVar variation 1006760 (VCV001006760.9), dbSNP rs121908081, ClinGen allele CA396917464.
Genomic context (GRCh38, chr16:83,899,152, plus strand): 5'-GGAAGCGCGGCAGCGGCGGCGGCGCTCCCCCTCGGCAGCTGTTGTGGGGCACCATGCGAG[G>T]CTTCGGGCCAGGCTTGACGGCCAGGCGTCTCCTCCCGCTGCGGTTGCCCCCGCGGCCGCC-3'
Protein context (NP_036345.2, residues 1-13): MR[Gly3Val]FGPGLTARRL

ClinVar aggregate classification (germline): Uncertain significance (1 of 4 stars; one submission).

Conditions:
Deficiency of malonyl-CoA decarboxylase. Also called: Malonic aciduria; MCD deficiency. Identifiers: Orphanet 943, MedGen C0342793, MONDO:0009556, OMIM 248360.

Submission:

Labcorp Genetics (formerly Invitae), Labcorp
Classification: Uncertain significance for Deficiency of malonyl-CoA decarboxylase. Last evaluated: 2022-02-17. Review status: criteria provided, single submitter. Criteria: Invitae Variant Classification Sherloc (09022015). Collection method: clinical testing. Allele origin: germline.
Comment: This variant is not present in population databases (gnomAD no frequency). This sequence change replaces glycine, which is neutral and non-polar, with valine, which is neutral and non-polar, at codon 3 of the MLYCD protein (p.Gly3Val). This variant has not been reported in the literature in individuals affected with MLYCD-related conditions. ClinVar contains an entry for this variant (Variation ID: 1006760). Algorithms developed to predict the effect of missense changes on protein structure and function output the following: SIFT: "Deleterious"; PolyPhen-2: "Benign"; Align-GVGD: "Class C0". The valine amino acid residue is found in multiple mammalian species, which suggests that this missense change does not adversely affect protein function. In summary, the available evidence is currently insufficient to determine the role of this variant in disease. Therefore, it has been classified as a Variant of Uncertain Significance.